The following is an entry in ClinVar:

NM_198253.3(TERT):c.686G>T (p.Ser229Ile)

Gene: TERT (telomerase reverse transcriptase; minus strand). Cytogenetic location: 5p15.33.
Variant type: single nucleotide variant.
Coding change: c.686G>T on transcript NM_198253.3 (MANE Select); coding-DNA position 686, G replaced by T.
Protein change: p.Ser229Ile; replaces serine 229 with isoleucine.
Molecular consequence: missense variant. On other transcripts: non-coding transcript variant (2).
Genome position (GRCh38, 1-based): chr5:1,294,200, C>A on the plus strand (G>T on the coding strand, the complement: TERT is on the minus strand). VCF-style: chr5-1294200-C-A. GRCh37 (hg19) VCF-style: chr5-1294315-C-A.
Other names: c.686G>T, p.Ser229Ile (NM_001193376.3, NM_003219.1); short protein forms S229I.
Identifiers: ClinVar variation 1945310 (VCV001945310.6), dbSNP rs1751217170, ClinGen allele CA359057027.

ClinVar aggregate classification (germline): Uncertain significance. Review status: criteria provided, multiple submitters, no conflicts (2 of 4 stars). 2 submissions from 2 submitters: Uncertain significance (2). Last evaluated 2026-08-04.

Conditions:
Dyskeratosis congenita, autosomal dominant 2. Identifiers: MedGen C3151443, MONDO:0013521, OMIM 613989.
Idiopathic Pulmonary Fibrosis. Also called: Idiopathic fibrosing alveolitis, chronic form; idiopathic fibrosing alveolitis. Identifiers: Orphanet 2032, MedGen C1800706, MeSH D054990, MONDO:0800504.
Dyskeratosis congenita. Identifiers: Orphanet 1775, MedGen C0265965, MONDO:0015780.

gnomAD v4.1: 1 of 1,581,322 alleles (0.000063%); highest among the groups gnomAD compares: Non-Finnish European, 0.000086%; no homozygotes.

Submissions (2):

Ambry Genetics
Classification: Uncertain significance for Dyskeratosis congenita. Last evaluated: 2026-08-04. Review status: criteria provided, single submitter. Criteria: Ambry Variant Classification Scheme 2023. Collection method: clinical testing. Allele origin: germline.
Comment: The p.S229I variant (also known as c.686G>T), located in coding exon 2 of the TERT gene, results from a G to T substitution at nucleotide position 686. The serine at codon 229 is replaced by isoleucine, an amino acid with dissimilar properties. This amino acid position is conserved. In addition, this alteration is predicted to be tolerated by in silico analysis. Based on the available evidence, the clinical significance of this variant remains unclear.

Labcorp Genetics (formerly Invitae), Labcorp
Classification: Uncertain significance for Dyskeratosis congenita, autosomal dominant 2; Idiopathic Pulmonary Fibrosis. Last evaluated: 2023-05-20. Review status: criteria provided, single submitter. Criteria: Invitae Variant Classification Sherloc (09022015). Collection method: clinical testing. Allele origin: germline.
Comment: In summary, the available evidence is currently insufficient to determine the role of this variant in disease. Therefore, it has been classified as a Variant of Uncertain Significance. Advanced modeling of protein sequence and biophysical properties (such as structural, functional, and spatial information, amino acid conservation, physicochemical variation, residue mobility, and thermodynamic stability) performed at Invitae indicates that this missense variant is not expected to disrupt TERT protein function. ClinVar contains an entry for this variant (Variation ID: 1945310). This variant has not been reported in the literature in individuals affected with TERT-related conditions. This variant is not present in population databases (gnomAD no frequency). This sequence change replaces serine, which is neutral and polar, with isoleucine, which is neutral and non-polar, at codon 229 of the TERT protein (p.Ser229Ile).